The following is an entry in ClinVar:

NM_000264.5(PTCH1):c.148C>G (p.Leu50Val)

Genes: PTCH1 (patched 1; minus strand), LOC130002133 (ATAC-STARR-seq lymphoblastoid silent region 20071; plus strand). Cytogenetic location: 9q22.32.
Variant type: single nucleotide variant.
Coding change: c.148C>G on transcript NM_000264.5 (MANE Select); coding-DNA position 148, C replaced by G.
Protein change: p.Leu50Val; replaces leucine 50 with valine.
Molecular consequence: missense variant. On other transcripts: non-coding transcript variant (1), intron variant (3).
Genome position (GRCh38, 1-based): chr9:95,508,214, G>C on the plus strand (C>G on the coding strand, the complement: PTCH1 is on the minus strand). VCF-style: chr9-95508214-G-C. GRCh37 (hg19) VCF-style: chr9-98270496-G-C.
Other names: c.148C>G, p.Leu50Val (NM_001354918.2); c.199-1615C>G (NM_001083603.3); c.4-1615C>G (NM_001083602.3, NM_001354919.2); short protein forms L50V.
Identifiers: ClinVar variation 2678081 (VCV002678081.3), dbSNP rs748950681, ClinGen allele CA374121350.
Genomic context (GRCh38, chr9:95,508,214, plus strand): 5'-AATGCACCTTGGAAATCTGCTCCAGAGCGAAGGCGGCGTCGCAGTAGCTGGGCCGGTGCA[G>C]ATAGTCCCGGTCCGGCGCGGCAGCACGGCGCAGCCCCCCCGTCCGTCTGCGCCTCCCGCC-3'
Protein context (NP_000255.2, residues 40-60): RRAAAPDRDY[Leu50Val]HRPSYCDAAF

ClinVar aggregate classification (germline): Uncertain significance. Review status: criteria provided, multiple submitters, no conflicts (2 of 4 stars). 2 submissions from 2 submitters: Uncertain significance (2). Last evaluated 2026-06-02.

Conditions:
Hereditary cancer-predisposing syndrome. Also called: Tumor predisposition; Hereditary neoplastic syndrome; Neoplastic Syndromes, Hereditary; Hereditary Cancer Syndrome. Identifiers: Orphanet 140162, MedGen C0027672, MeSH D009386, MONDO:0015356.
Basal cell carcinoma, susceptibility to, 1. Also called: BCC1. Identifiers: MedGen C2751544, MONDO:0011556, OMIM 605462.

Submissions (2):

Ambry Genetics
Classification: Uncertain significance for Hereditary cancer-predisposing syndrome. Last evaluated: 2026-06-02. Review status: criteria provided, single submitter. Criteria: Ambry Variant Classification Scheme 2023. Collection method: clinical testing. Allele origin: germline.
Comment: The p.L50V variant (also known as c.148C>G), located in coding exon 1 of the PTCH1 gene, results from a C to G substitution at nucleotide position 148. The leucine at codon 50 is replaced by valine, an amino acid with highly similar properties. This amino acid position is conserved. In addition, the in silico prediction for this alteration is inconclusive. Based on the available evidence, the clinical significance of this variant remains unclear.

Baylor Genetics
Classification: Uncertain significance for Basal cell carcinoma, susceptibility to, 1. Last evaluated: 2024-03-07. Review status: criteria provided, single submitter. Criteria: ACMG Guidelines, 2015. Collection method: clinical testing. Allele origin: unknown.